The following is an entry in ClinVar:

ClinVar aggregate classification (germline): Uncertain significance (1 of 4 stars; one submission).

Allele frequency attached by ClinVar (database versions not stated): ExAC 0.00001.
gnomAD v4.1: 2 of 1,607,316 alleles (0.00012%); highest among the groups gnomAD compares: Non-Finnish European, 0.00017%; no homozygotes.

Submission:

Labcorp Genetics (formerly Invitae), Labcorp
Classification: Uncertain significance. Last evaluated: 2022-08-24. Review status: criteria provided, single submitter. Criteria: Invitae Variant Classification Sherloc (09022015). Collection method: clinical testing. Allele origin: germline.
Comment: In summary, the available evidence is currently insufficient to determine the role of this variant in disease. Therefore, it has been classified as a Variant of Uncertain Significance. Algorithms developed to predict the effect of missense changes on protein structure and function are either unavailable or do not agree on the potential impact of this missense change (SIFT: "Tolerated"; PolyPhen-2: "Probably Damaging"; Align-GVGD: "Class C0"). This variant has not been reported in the literature in individuals affected with RELB-related conditions. This variant is not present in population databases (gnomAD no frequency). This sequence change replaces arginine, which is basic and polar, with glycine, which is neutral and non-polar, at codon 213 of the RELB protein (p.Arg213Gly).

NM_006509.4(RELB):c.637C>G (p.Arg213Gly)

Gene: RELB (RELB proto-oncogene, NF-kB subunit; plus strand). Cytogenetic location: 19q13.32.
Variant type: single nucleotide variant.
Coding change: c.637C>G on transcript NM_006509.4 (MANE Select); coding-DNA position 637, C replaced by G.
Protein change: p.Arg213Gly; replaces arginine 213 with glycine.
Molecular consequence: missense variant.
Genome position (GRCh38, 1-based): chr19:45,022,185, C>G. VCF-style: chr19-45022185-C-G. GRCh37 (hg19) VCF-style: chr19-45525443-C-G.
Other names: c.628C>G, p.Arg210Gly (NM_001411087.1); short protein forms R213G, R210G.
Identifiers: ClinVar variation 1919614 (VCV001919614.5), dbSNP rs759774364, ClinGen allele CA9507601.